The following is an entry in ClinVar:

ClinVar aggregate classification (germline): Uncertain significance (1 of 4 stars; one submission).

Submission:

GeneDx
Classification: Uncertain significance. Last evaluated: 2022-09-15. Review status: criteria provided, single submitter. Criteria: GeneDx Variant Classification Process June 2021. Collection method: clinical testing. Allele origin: germline. Affected: yes.
Comment: Not observed at significant frequency in large population cohorts (gnomAD); In silico analysis supports that this missense variant does not alter protein structure/function; Has not been previously published as pathogenic or benign to our knowledge

NM_014244.5(ADAMTS2):c.2689G>T (p.Ala897Ser)

Gene: ADAMTS2 (ADAM metallopeptidase with thrombospondin type 1 motif 2; minus strand). Cytogenetic location: 5q35.3.
Variant type: single nucleotide variant.
Coding change: c.2689G>T on transcript NM_014244.5 (MANE Select); coding-DNA position 2689, G replaced by T.
Protein change: p.Ala897Ser; replaces alanine 897 with serine.
Molecular consequence: missense variant.
Genome position (GRCh38, 1-based): chr5:179,126,059, C>A on the plus strand (G>T on the coding strand, the complement: ADAMTS2 is on the minus strand). VCF-style: chr5-179126059-C-A. GRCh37 (hg19) VCF-style: chr5-178553060-C-A.
Other names: short protein forms A897S.
Identifiers: ClinVar variation 2444727 (VCV002444727.1), dbSNP rs748245637, ClinGen allele CA362421966.